The following is an entry in ClinVar:

NM_003728.4(UNC5C):c.2514G>A (p.Gly838=)

Gene: UNC5C (unc-5 netrin receptor C; minus strand). Cytogenetic location: 4q22.3.
Variant type: single nucleotide variant.
Coding change: c.2514G>A on transcript NM_003728.4 (MANE Select); coding-DNA position 2514, G replaced by A.
Protein change: p.Gly838=; no amino-acid change (glycine 838 retained).
Molecular consequence: synonymous variant.
Genome position (GRCh38, 1-based): chr4:95,170,270, C>T on the plus strand (G>A on the coding strand, the complement: UNC5C is on the minus strand). VCF-style: chr4-95170270-C-T. GRCh37 (hg19) VCF-style: chr4-96091421-C-T.
Other names: c.2514G>A (NM_003728.3).
Identifiers: ClinVar variation 2654956 (VCV002654956.25), dbSNP rs146932015, ClinGen allele CA3015367.

ClinVar aggregate classification (germline): Likely benign. Review status: criteria provided, single submitter (1 of 4 stars). 2 submissions from 2 submitters: Likely benign (1). 1 of the submissions does not count toward it. Last evaluated 2022-04-01.

Conditions:
UNC5C-related disorder. Also called: UNC5C-related condition.

Allele frequency attached by ClinVar (database versions not stated): TOPMed 0.00059; gnomAD 0.00078; ESP Exome Variant Server 0.00085.
gnomAD v4.1: 1,773 of 1,614,118 alleles (0.11%); highest among the groups gnomAD compares: Non-Finnish European, 0.14%; no homozygotes.

Submissions (2):

CeGaT Center for Human Genetics Tuebingen
Classification: Likely benign. Last evaluated: 2022-04-01. Review status: criteria provided, single submitter. Criteria: CeGaT Center For Human Genetics Tuebingen Variant Classification Criteria Version 2. Collection method: clinical testing. Allele origin: germline. Affected: yes. Observed: 1 variant allele.
Comment: UNC5C: BP4, BP7

PreventionGenetics, part of Exact Sciences
Classification: Likely benign for UNC5C-related condition. Last evaluated: 2019-04-09. Review status: no assertion criteria provided. Collection method: clinical testing. Allele origin: germline. Not counted in ClinVar's aggregate classification.
Comment: This variant is classified as likely benign based on ACMG/AMP sequence variant interpretation guidelines (Richards et al. 2015 PMID: 25741868, with internal and published modifications).